The following is an entry in ClinVar:

ClinVar aggregate classification (germline): Uncertain significance (1 of 4 stars; one submission).

Conditions:
Ehlers-Danlos syndrome, classic type, 1 (EDSCL1). Also called: EHLERS-DANLOS SYNDROME, GRAVIS TYPE; EHLERS-DANLOS SYNDROME, SEVERE CLASSIC TYPE; Ehlers-Danlos syndrome, type 1; Ehlers-Danlos Syndrome, Classic Type, COL5A1-Related; EDS I. Identifiers: MedGen C0268335, MONDO:0019567, OMIM 130000.

Submission:

Labcorp Genetics (formerly Invitae), Labcorp
Classification: Uncertain significance for Ehlers-Danlos syndrome, classic type, 1. Last evaluated: 2023-08-28. Review status: criteria provided, single submitter. Criteria: Invitae Variant Classification Sherloc (09022015). Collection method: clinical testing. Allele origin: germline.
Comment: In summary, the available evidence is currently insufficient to determine the role of this variant in disease. Therefore, it has been classified as a Variant of Uncertain Significance. Advanced modeling of protein sequence and biophysical properties (such as structural, functional, and spatial information, amino acid conservation, physicochemical variation, residue mobility, and thermodynamic stability) performed at Invitae indicates that this missense variant is not expected to disrupt COL5A1 protein function. This variant has not been reported in the literature in individuals affected with COL5A1-related conditions. This variant is not present in population databases (gnomAD no frequency). This sequence change replaces serine, which is neutral and polar, with isoleucine, which is neutral and non-polar, at codon 11 of the COL5A1 protein (p.Ser11Ile).

NM_000093.5(COL5A1):c.32G>T (p.Ser11Ile)

Gene: COL5A1 (collagen type V alpha 1 chain; plus strand). Cytogenetic location: 9q34.3.
Variant type: single nucleotide variant.
Coding change: c.32G>T on transcript NM_000093.5 (MANE Select); coding-DNA position 32, G replaced by T.
Protein change: p.Ser11Ile; replaces serine 11 with isoleucine.
Molecular consequence: missense variant.
Genome position (GRCh38, 1-based): chr9:134,642,219, G>T. VCF-style: chr9-134642219-G-T. GRCh37 (hg19) VCF-style: chr9-137534065-G-T.
Other names: c.32G>T, p.Ser11Ile (NM_001278074.1); short protein forms S11I.
Identifiers: ClinVar variation 2707805 (VCV002707805.3), dbSNP rs2491093726, ClinGen allele CA375443824.